The following is an entry in ClinVar:

ClinVar aggregate classification (germline): Uncertain significance. Review status: criteria provided, multiple submitters, no conflicts (2 of 4 stars). 2 submissions from 2 submitters: Uncertain significance (2). Last evaluated 2026-01-20.

Conditions:
Hereditary cancer-predisposing syndrome. Also called: Tumor predisposition; Hereditary Cancer Syndrome; Neoplastic Syndromes, Hereditary; Hereditary neoplastic syndrome. Identifiers: Orphanet 140162, MedGen C0027672, MeSH D009386, MONDO:0015356.
Multiple endocrine neoplasia type 4. Also called: MULTIPLE ENDOCRINE NEOPLASIA, TYPE IV. Identifiers: Orphanet 276152, MedGen C1970712, MONDO:0012552, OMIM 610755.

Allele frequency attached by ClinVar (database versions not stated): TOPMed 0.00001.
gnomAD v4.1: 1 of 1,614,138 alleles (0.000062%); highest among the groups gnomAD compares: East Asian, 0.0022%; no homozygotes.

Submissions (2):

Ambry Genetics
Classification: Uncertain significance for Hereditary cancer-predisposing syndrome. Last evaluated: 2026-01-20. Review status: criteria provided, single submitter. Criteria: Ambry Variant Classification Scheme 2023. Collection method: clinical testing. Allele origin: germline.
Comment: The p.E172Q variant (also known as c.514G>C), located in coding exon 2 of the CDKN1B gene, results from a G to C substitution at nucleotide position 514. The glutamic acid at codon 172 is replaced by glutamine, an amino acid with highly similar properties. This amino acid position is conserved. In addition, this alteration is predicted to be tolerated by in silico analysis. Based on the available evidence, the clinical significance of this variant remains unclear.

Labcorp Genetics (formerly Invitae), Labcorp
Classification: Uncertain significance for Multiple endocrine neoplasia type 4. Last evaluated: 2022-12-02. Review status: criteria provided, single submitter. Criteria: Invitae Variant Classification Sherloc (09022015). Collection method: clinical testing. Allele origin: germline.
Comment: This variant is not present in population databases (gnomAD no frequency). This sequence change replaces glutamic acid, which is acidic and polar, with glutamine, which is neutral and polar, at codon 172 of the CDKN1B protein (p.Glu172Gln). This variant has not been reported in the literature in individuals affected with CDKN1B-related conditions. In summary, the available evidence is currently insufficient to determine the role of this variant in disease. Therefore, it has been classified as a Variant of Uncertain Significance. Algorithms developed to predict the effect of missense changes on protein structure and function are either unavailable or do not agree on the potential impact of this missense change (SIFT: "Deleterious"; PolyPhen-2: "Probably Damaging"; Align-GVGD: "Class C0"). ClinVar contains an entry for this variant (Variation ID: 536834).

NM_004064.5(CDKN1B):c.514G>C (p.Glu172Gln)

Gene: CDKN1B (cyclin dependent kinase inhibitor 1B; plus strand). Cytogenetic location: 12p13.1.
Variant type: single nucleotide variant.
Coding change: c.514G>C on transcript NM_004064.5 (MANE Select); coding-DNA position 514, G replaced by C.
Protein change: p.Glu172Gln; replaces glutamic acid 172 with glutamine.
Molecular consequence: missense variant.
Genome position (GRCh38, 1-based): chr12:12,718,863, G>C. VCF-style: chr12-12718863-G-C. GRCh37 (hg19) VCF-style: chr12-12871797-G-C.
Other names: c.514G>C (NM_004064.3); short protein forms E172Q.
Identifiers: ClinVar variation 536834 (VCV000536834.9), dbSNP rs1260635377, ClinGen allele CA383972855.